The following is an entry in ClinVar:

ClinVar aggregate classification (germline): Likely pathogenic. Review status: reviewed by expert panel (3 of 4 stars). 9 submissions from 9 submitters: Likely pathogenic (1). 8 of the submissions do not count toward it. Last evaluated 2019-11-17.

Conditions:
Inborn genetic diseases. Identifiers: MedGen C0950123, MeSH D030342.
PAH-related disorder. Also called: PAH-related condition.
Phenylketonuria (PKU). Also called: FOLLING DISEASE; Phenylketonuria (PKU); Phenylketonurias; OLIGOPHRENIA PHENYLPYRUVICA. Identifiers: Orphanet 716, MedGen C0031485, MONDO:0009861, OMIM 261600. Disease mechanism: loss of function.

Allele frequency attached by ClinVar (database versions not stated): ExAC 0.00001; gnomAD 0.00003; TOPMed 0.00003; gnomAD exomes 0.00004; 1000 Genomes Project 30x 0.00016; 1000 Genomes Project 0.00020.
gnomAD v4.1: 29 of 1,614,028 alleles (0.0018%); highest among the groups gnomAD compares: East Asian, 0.049%; no homozygotes.

Submissions (9):

ClinGen PAH Variant Curation Expert Panel
Classification: Likely pathogenic for Phenylketonuria. Last evaluated: 2019-11-17. Review status: reviewed by expert panel. Criteria: ClinGen PAH ACMG Specifications v1. Collection method: curation. Allele origin: germline. Inheritance: Autosomal recessive inheritance.
Comment: The c.516G>T (p.Gln172His) variant in PAH has been reported in multiple affected individuals (1-MHP, 1-classic PKU). BH4 deficiency was excluded by analysis of urinary pterins and dihydropteridine reductase activity in erythrocytes. PMID: 26322415. This variant has a highest MAF (East Asian) of 0.00055 in gnomAD, which is above the PAH VCEP AF cutoff (0.0002). This variant was detected in trans with known pathogenic variants: p.R243Q (PMID: 26322415), R408Q (PMID: 26600521) and p.Arg111* (PMID: 28982351; PM3_strong). Computational evidence is conflicting. In summary, this variant meets criteria to be classified as likely pathogenic for PAH. PAH-specific ACMG/AMP criteria applied: PP4_Moderate, PM3_strong.

Labcorp Genetics (formerly Invitae), Labcorp
Classification: Pathogenic for Phenylketonuria. Last evaluated: 2025-12-20. Review status: criteria provided, single submitter. Criteria: Invitae Variant Classification Sherloc (09022015). Collection method: clinical testing. Allele origin: germline. Not counted in ClinVar's aggregate classification.
Comment: This sequence change replaces glutamine, which is neutral and polar, with histidine, which is basic and polar, at codon 172 of the PAH protein (p.Gln172His). This variant is present in population databases (rs192592111, gnomAD 0.06%). This missense change has been observed in individual(s) with hyperphenylalanemia and phenylketonuria (PMID: 26322415, 26600521, 28982351). In at least one individual the data is consistent with being in trans (on the opposite chromosome) from a pathogenic variant. ClinVar contains an entry for this variant (Variation ID: 664621). Invitae Evidence Modeling of protein sequence and biophysical properties (such as structural, functional, and spatial information, amino acid conservation, physicochemical variation, residue mobility, and thermodynamic stability) indicates that this missense variant is not expected to disrupt PAH protein function with a negative predictive value of 80%. For these reasons, this variant has been classified as Pathogenic.

Natera, Inc.
Classification: Pathogenic for Phenylketonuria. Last evaluated: 2025-08-22. Review status: criteria provided, single submitter. Criteria: Natera Variant Classification Schema (03/2026). Collection method: clinical testing. Allele origin: germline. Not counted in ClinVar's aggregate classification.
Comment: The c.516G>T variant in PAH is a missense variant predicted to cause substitution of glutamine to histidine at amino acid 172. This variant is rare in the general population with a frequency below the threshold expected for the associated phenotype(s). This variant has been observed in one or more individuals affected with the associated recessive disease, as either homozygous or compound heterozygous with a second variant (PMID: 28982351, 26322415, 26600521). Computational prediction algorithms indicate this variant is likely to affect gene or protein function. Given the available evidence, this variant is classified as Pathogenic.

Ambry Genetics
Classification: Pathogenic for Inborn genetic diseases. Last evaluated: 2023-05-18. Review status: criteria provided, single submitter. Criteria: Ambry Variant Classification Scheme 2023. Collection method: clinical testing. Allele origin: germline. Not counted in ClinVar's aggregate classification.
Comment: The c.516G>T (p.Q172H) alteration is located in coding exon 6 of the PAH gene. This alteration results from a G to T substitution at nucleotide position 516, causing the glutamine (Q) at amino acid position 172 to be replaced by a histidine (H). Based on data from gnomAD, the T allele has an overall frequency of 0.004% (12/282464) total alleles studied. The highest observed frequency was 0.055% (11/19930) of East Asian alleles. This variant has been reported in compound heterozygous form with other disease causing variants in several children from China diagnosed with hyperphenylalanemia or phenylketonuria (Liu, 2015; Tao, 2015; Liu 2017). This variant has also been reported to have an allele frequency nine times higher in the Vietnamese population than in the East Asia population (Tran, 2021). This amino acid position is well conserved in available vertebrate species. The in silico prediction for this alteration is inconclusive. Based on the available evidence, this alteration is classified as pathogenic.

Revvity Omics, Revvity
Classification: Likely pathogenic for Phenylketonuria. Last evaluated: 2023-03-08. Review status: criteria provided, single submitter. Criteria: ACMG Guidelines, 2015. Collection method: clinical testing. Allele origin: germline. Not counted in ClinVar's aggregate classification.

3billion
Classification: Pathogenic for Phenylketonuria. Last evaluated: 2022-01-03. Review status: criteria provided, single submitter. Criteria: ACMG Guidelines, 2015. Collection method: clinical testing. Allele origin: germline. Affected: yes. Observed: 1 heterozygote. Not counted in ClinVar's aggregate classification.
Comment: Same nucleotide change resulting in same amino acid change has been previously reported as pathogenic/likely pathogenic with strong evidence (ClinVar ID: VCV000664621,VCV000845708, PMID:26322415, PS1_S). A different missense change at the same codon has been reported to be associated with PAH related disorder (PMID:32668217, PM5_P). In silico tool predictions suggest damaging effect of the variant on gene or gene product (REVEL: 0.79, 3CNET: 0.97, PP3_P). A missense variant is a common mechanism associated with Phenylketonuria; PKU (PP2_P). It is observed at an extremely low frequency in the gnomAD v2.1.1 dataset (total allele frequency: 0.000042, PM2_M). The variant is located in a well-established functional domain or exonic hotspot, where pathogenic variants have frequently reported (PM1_M).Therefore, this variant is classified as pathogenic according to the recommendation of ACMG/AMP guideline.

GeneDx
Classification: Likely pathogenic. Last evaluated: 2020-03-25. Review status: criteria provided, single submitter. Criteria: GeneDx Variant Classification Process June 2021. Collection method: clinical testing. Allele origin: germline. Affected: yes. Not counted in ClinVar's aggregate classification.
Comment: Missense variants in this gene are often considered pathogenic (Stenson et al., 2014); In silico analysis supports that this missense variant has a deleterious effect on protein structure/function; This variant is associated with the following publications: (PMID: 32668217, 29316886, 28982351, 26600521, 30747360, 26322415, 31703125, 17168845, 19823875, 18798070, 16310984)

Juno Genomics, Hangzhou Juno Genomics, Inc
Classification: Likely pathogenic for Phenylketonuria. Review status: criteria provided, single submitter. Criteria: ACMG Guidelines, 2015. Collection method: clinical testing. Allele origin: germline. Not counted in ClinVar's aggregate classification.
Comment: For recessive disorders, detected in trans with a pathogenic variant.;Patient's phenotype or family history is highly specific for a disease with a single genetic etiology.

PreventionGenetics, part of Exact Sciences
Classification: Likely pathogenic for PAH-related condition. Last evaluated: 2024-07-06. Review status: no assertion criteria provided. Collection method: clinical testing. Allele origin: germline. Not counted in ClinVar's aggregate classification.
Comment: The PAH c.516G>T variant is predicted to result in the amino acid substitution p.Gln172His. This variant has been reported along with a second pathogenic PAH variant in at least two individuals with phenylalanine hydroxylase deficiency (Tao. 2015. PubMed ID: 26322415; Additional File 1 in Liu et al 2017. PubMed ID: 28982351; Hillert et al. 2020. PubMed ID: 32668217). This variant is reported in 0.055% of alleles in individuals of East Asian descent in gnomAD and has been classified as likely pathogenic by the ClinGen PAH Variant Curation Expert Panel. A different missense variant affecting this amino acid has also been reported in a patient with PAH-related disease (p.Gln172Arg; Hillert et al. 2020. PubMed ID: 32668217). The c.516G>T variant is interpreted as likely pathogenic.

Literature cited by the submitters: PubMed 26322415 (cited by 4 submitters); PubMed 26600521 (cited by 3 submitters); PubMed 28982351 (cited by 3 submitters); PubMed 30747360 (cited by Ambry Genetics); PubMed 33234470 (cited by Ambry Genetics); PubMed 34233069 (cited by Ambry Genetics); PubMed 36577126 (cited by Ambry Genetics); PubMed 32668217 (cited by 3billion).

NM_000277.3(PAH):c.516G>T (p.Gln172His)

Gene: PAH (phenylalanine hydroxylase; minus strand). Cytogenetic location: 12q23.2.
Variant type: single nucleotide variant.
Coding change: c.516G>T on transcript NM_000277.3 (MANE Select); coding-DNA position 516, G replaced by T.
Protein change: p.Gln172His; replaces glutamine 172 with histidine.
Molecular consequence: missense variant.
Genome position (GRCh38, 1-based): chr12:102,855,326, C>A on the plus strand (G>T on the coding strand, the complement: PAH is on the minus strand). VCF-style: chr12-102855326-C-A. GRCh37 (hg19) VCF-style: chr12-103249104-C-A.
Other names: c.516G>T, p.Gln172His (NM_001354304.2); c.516G>T (NM_000277.2); short protein forms Q172H.
Identifiers: ClinVar variation 664621 (VCV000664621.24), dbSNP rs192592111, ClinGen allele CA6748897.
Genomic context (GRCh38, chr12:102,855,326, plus strand): 5'-CTTGAACACTGTGCCCCATGTTTTCTTTTCTTCCTCCATGTATTCCACTCGAGGGATGGG[C>A]TGCCCACTAGAATACAGGCACAAAATAGGTGTCTCAAGCAGGGCAGGGGCACAGCAGAAC-3'
Protein context (NP_000268.1, residues 162-182): ADIAYNYRHG[Gln172His]PIPRVEYMEE